The following is an entry in ClinVar:

NM_001110556.2(FLNA):c.2545A>G (p.Met849Val)

Gene: FLNA (filamin A; minus strand). Cytogenetic location: Xq28.
Variant type: single nucleotide variant.
Coding change: c.2545A>G on transcript NM_001110556.2 (MANE Select); coding-DNA position 2545, A replaced by G.
Protein change: p.Met849Val; replaces methionine 849 with valine.
Molecular consequence: missense variant.
Genome position (GRCh38, 1-based): chrX:154,362,438, T>C on the plus strand (A>G on the coding strand, the complement: FLNA is on the minus strand). VCF-style: chrX-154362438-T-C. GRCh37 (hg19) VCF-style: chrX-153590806-T-C.
Other names: c.2545A>G, p.Met849Val (NM_001456.4); short protein forms M849V.
Identifiers: ClinVar variation 1205660 (VCV001205660.8), dbSNP rs2148114357, ClinGen allele CA415235778.

ClinVar aggregate classification (germline): Uncertain significance. Review status: criteria provided, multiple submitters, no conflicts (2 of 4 stars). 2 submissions from 2 submitters: Uncertain significance (2). Last evaluated 2024-01-08.

Conditions:
Heterotopia, periventricular, X-linked dominant (PVNH1). Also called: PERIVENTRICULAR NODULAR HETEROTOPIA 1; X-linked periventricular heterotopia; PERIVENTRICULAR NODULAR HETEROTOPIA 4; HETEROTOPIA, PERIVENTRICULAR, 1. Identifiers: Orphanet 2149, Orphanet 82004, MedGen C1848213, MONDO:0010233, OMIM 300049.
Melnick-Needles syndrome (MNS). Also called: MELNICK-NEEDLES OSTEODYSPLASTY; OSTEODYSPLASTY OF MELNICK AND NEEDLES; Melnick-Needles Syndrome (FLNA-MNS). Identifiers: Orphanet 2484, MedGen C0025237, MONDO:0010650, OMIM 309350.
Frontometaphyseal dysplasia (FMD1). Identifiers: Orphanet 1826, MedGen C0265293, MONDO:0015942.
Oto-palato-digital syndrome, type II (OPD2). Also called: FACIOPALATOOSSEOUS SYNDROME; OPD II SYNDROME; Otopalatodigital Syndrome Type 2 (FLNA-OPD2); Otopalatodigital Syndrome, Type II. Identifiers: Orphanet 669, Orphanet 90652, MedGen C1844696, MONDO:0010571, OMIM 304120.

gnomAD v4.1: 1 of 1,210,630 alleles (0.000083%); highest among the groups gnomAD compares: East Asian, 0.003%; no homozygotes.

Submissions (2):

Labcorp Genetics (formerly Invitae), Labcorp
Classification: Uncertain significance for Oto-palato-digital syndrome, type II; Heterotopia, periventricular, X-linked dominant; Frontometaphyseal dysplasia; Melnick-Needles syndrome. Last evaluated: 2024-01-08. Review status: criteria provided, single submitter. Criteria: Invitae Variant Classification Sherloc (09022015). Collection method: clinical testing. Allele origin: germline.
Comment: This sequence change replaces methionine, which is neutral and non-polar, with valine, which is neutral and non-polar, at codon 849 of the FLNA protein (p.Met849Val). This variant is not present in population databases (gnomAD no frequency). This variant has not been reported in the literature in individuals affected with FLNA-related conditions. ClinVar contains an entry for this variant (Variation ID: 1205660). Advanced modeling of protein sequence and biophysical properties (such as structural, functional, and spatial information, amino acid conservation, physicochemical variation, residue mobility, and thermodynamic stability) performed at Invitae indicates that this missense variant is not expected to disrupt FLNA protein function with a negative predictive value of 95%. In summary, the available evidence is currently insufficient to determine the role of this variant in disease. Therefore, it has been classified as a Variant of Uncertain Significance.

GeneDx
Classification: Uncertain significance. Last evaluated: 2019-12-31. Review status: criteria provided, single submitter. Criteria: GeneDx Variant Classification Process June 2021. Collection method: clinical testing. Allele origin: germline. Affected: yes.
Comment: Not observed in large population cohorts (Lek et al., 2016); In silico analysis, which includes protein predictors and evolutionary conservation, supports that this variant does not alter protein structure/function; Has not been previously published as pathogenic or benign to our knowledge